The following is an entry in ClinVar:

ClinVar aggregate classification (germline): Uncertain significance (1 of 4 stars; one submission).

Conditions:
TUB-related disorder. Also called: TUB-related condition.

Submission:

PreventionGenetics, part of Exact Sciences
Classification: Uncertain significance for TUB-related condition. Last evaluated: 2024-12-31. Review status: criteria provided, single submitter. Criteria: ACMG Guidelines, 2015. Collection method: clinical testing. Allele origin: germline.
Comment: The TUB c.1273G>T variant is predicted to result in the amino acid substitution p.Val425Leu. To our knowledge, this variant has not been reported in the literature or in a large population database (gnomAD), indicating this variant is rare. At this time, the clinical significance of this variant is uncertain due to the absence of conclusive functional and genetic evidence.

NM_177972.3(TUB):c.1108G>T (p.Val370Leu)

Genes: RIC3 (RIC3 acetylcholine receptor chaperone; minus strand), TUB (TUB bipartite transcription factor; plus strand). Cytogenetic location: 11p15.4.
Variant type: single nucleotide variant.
Coding change: c.1108G>T on transcript NM_177972.3 (MANE Select); coding-DNA position 1108, G replaced by T.
Protein change: p.Val370Leu; replaces valine 370 with leucine.
Molecular consequence: missense variant.
Genome position (GRCh38, 1-based): chr11:8,098,867, G>T. VCF-style: chr11-8098867-G-T. GRCh37 (hg19) VCF-style: chr11-8120414-G-T.
Other names: c.1126G>T, p.Val376Leu (NM_001440538.1, NM_001440539.1); c.958G>T, p.Val320Leu (NM_001440540.1, NM_001440542.1); c.940G>T, p.Val314Leu (NM_001440541.1); c.1273G>T, p.Val425Leu (NM_003320.5); short protein forms V314L, V376L, V370L, V320L, V425L.
Identifiers: ClinVar variation 5001276 (VCV005001276.1).